The following is an entry in ClinVar:

NM_001077620.3(PRCD):c.*1185A>C

Genes: CYGB (cytoglobin; minus strand), PRCD (photoreceptor disc component; plus strand). Cytogenetic location: 17q25.1.
Variant type: single nucleotide variant.
Coding change: c.*1185A>C on transcript NM_001077620.3 (MANE Select); 1185 bases downstream of the stop codon, A replaced by C.
Molecular consequence: 3 prime UTR variant. On other transcripts: non-coding transcript variant (1).
Genome position (GRCh38, 1-based): chr17:76,544,835, A>C. VCF-style: chr17-76544835-A-C. GRCh37 (hg19) VCF-style: chr17-74540917-A-C.
Identifiers: ClinVar variation 325492 (VCV000325492.6), dbSNP rs895157, ClinGen allele CA8788059.

ClinVar aggregate classification (germline): Benign. Review status: criteria provided, multiple submitters, no conflicts (2 of 4 stars). 2 submissions from 2 submitters: Benign (2). Last evaluated 2018-01-12.

Conditions:
Retinitis pigmentosa (RP). Identifiers: Orphanet 791, MedGen C0035334, MeSH D012174, MONDO:0019200, OMIM 268000. Inheritance: Autosomal dominant, autosomal recessive and X linked inheritance.

Allele frequency attached by ClinVar (database versions not stated): gnomAD exomes 0.18191 and 0.19049; gnomAD 0.19185; TOPMed 0.19448; 1000 Genomes Project 0.19788; 1000 Genomes Project 30x 0.20081; ExAC 0.22925.
gnomAD v4.1: 88,498 of 456,682 alleles (19%); highest among the groups gnomAD compares: South Asian, 25%; 9,272 homozygotes.

Submissions (2):

Illumina Laboratory Services, Illumina
Classification: Benign for Retinitis pigmentosa. Last evaluated: 2018-01-12. Review status: criteria provided, single submitter. Criteria: ICSL Variant Classification Criteria 13 December 2019. Collection method: clinical testing. Allele origin: germline.
Comment: This variant was observed in the ICSL laboratory as part of a predisposition screen in an ostensibly healthy population. It had not been previously curated by ICSL or reported in the Human Gene Mutation Database (HGMD: prior to June 1st, 2018), and was therefore a candidate for classification through an automated scoring system. Utilizing variant allele frequency, disease prevalence and penetrance estimates, and inheritance mode, an automated score was calculated to assess if this variant is too frequent to cause the disease. Based on the score and internal cut-off values, a variant classified as benign is not then subjected to further curation. The score for this variant resulted in a classification of benign for this disease.

Breakthrough Genomics
Classification: Benign. Review status: criteria provided, single submitter. Criteria: ACMG Guidelines, 2015. Collection method: not provided. Allele origin: germline. Inheritance: Unknown mechanism. Affected: yes.